The following is an entry in ClinVar:

ClinVar aggregate classification (germline): Uncertain significance (1 of 4 stars; one submission).

Conditions:
Familial Mediterranean fever (FMF). Also called: POLYSEROSITIS, FAMILIAL PAROXYSMAL; POLYSEROSITIS, RECURRENT; Periodic peritonitis; Benign paroxysmal peritonitis. Identifiers: Orphanet 342, MedGen C0031069, MONDO:0018088, OMIM 249100. Disease mechanism: gain of function.

Allele frequency attached by ClinVar (database versions not stated): TOPMed below 0.00001.

Submission:

Labcorp Genetics (formerly Invitae), Labcorp
Classification: Uncertain significance for Familial Mediterranean fever. Last evaluated: 2022-04-04. Review status: criteria provided, single submitter. Criteria: Invitae Variant Classification Sherloc (09022015). Collection method: clinical testing. Allele origin: germline.
Comment: In summary, the available evidence is currently insufficient to determine the role of this variant in disease. Therefore, it has been classified as a Variant of Uncertain Significance. This sequence change replaces aspartic acid, which is acidic and polar, with asparagine, which is neutral and polar, at codon 616 of the MEFV protein (p.Asp616Asn). Algorithms developed to predict the effect of missense changes on protein structure and function output the following: SIFT: "Tolerated"; PolyPhen-2: "Benign"; Align-GVGD: "Class C0". The asparagine amino acid residue is found in multiple mammalian species, which suggests that this missense change does not adversely affect protein function. This variant has not been reported in the literature in individuals affected with MEFV-related conditions. This variant is not present in population databases (gnomAD no frequency).

NM_000243.3(MEFV):c.1846G>A (p.Asp616Asn)

Genes: MEFV (MEFV innate immunity regulator, pyrin; minus strand), LOC126862264 (CDK7 strongly-dependent group 2 enhancer GRCh37_chr16:3293322-3294521; plus strand). Cytogenetic location: 16p13.3.
Variant type: single nucleotide variant.
Coding change: c.1846G>A on transcript NM_000243.3 (MANE Select); coding-DNA position 1846, G replaced by A.
Protein change: p.Asp616Asn; replaces aspartic acid 616 with asparagine.
Molecular consequence: missense variant. On other transcripts: 3 prime UTR variant (1).
Genome position (GRCh38, 1-based): chr16:3,243,641, C>T on the plus strand (G>A on the coding strand, the complement: MEFV is on the minus strand). VCF-style: chr16-3243641-C-T. GRCh37 (hg19) VCF-style: chr16-3293641-C-T.
Other names: c.*50G>A (NM_001198536.2); short protein forms D616N.
Identifiers: ClinVar variation 2121429 (VCV002121429.4), dbSNP rs1958895033, ClinGen allele CA394488271.
Genomic context (GRCh38, chr16:3,243,641, plus strand): 5'-ATCTTTGCGGGCCATCAGGCAGCCTCTCCCACTTGTTTCCAAGTCTAACACTCTTCAGAT[C>T]ATCAGAGAAGATGAGGTTGGGGTAAGCGGTTTCTGCATCCAGAATCACATTAACTGCAAA-3'
Protein context (NP_000234.1, residues 606-626): TAYPNLIFSD[Asp616Asn]LKSVRLGNKW